The following is an entry in ClinVar:

NM_007294.4(BRCA1):c.5231G>T (p.Arg1744Ile)

Gene: BRCA1 (BRCA1 DNA repair associated; minus strand). Cytogenetic location: 17q21.31.
Variant type: single nucleotide variant.
Coding change: c.5231G>T on transcript NM_007294.4 (MANE Select); coding-DNA position 5231, G replaced by T.
Protein change: p.Arg1744Ile; replaces arginine 1744 with isoleucine.
Molecular consequence: missense variant. On other transcripts: non-coding transcript variant (1).
Genome position (GRCh38, 1-based): chr17:43,057,098, C>A on the plus strand (G>T on the coding strand, the complement: BRCA1 is on the minus strand). VCF-style: chr17-43057098-C-A. GRCh37 (hg19) VCF-style: chr17-41209115-C-A.
Other names: c.5018G>T, p.Arg1673Ile (NM_001407571.1, NM_001407900.1, NM_001407902.1 and 12 more transcripts); c.5297G>T, p.Arg1766Ile (NM_001407581.1, NM_001407582.1); c.5294G>T, p.Arg1765Ile (NM_001407583.1, NM_001407585.1, NM_001407587.1 and 1 more transcripts); c.5228G>T, p.Arg1743Ile (NM_001407610.1, NM_001407611.1, NM_001407612.1 and 17 more transcripts); c.5225G>T, p.Arg1742Ile (NM_001407629.1, NM_001407630.1, NM_001407631.1 and 14 more transcripts); c.5171G>T, p.Arg1724Ile (NM_001407649.1); c.5153G>T, p.Arg1718Ile (NM_001407652.1, NM_001407653.1, NM_001407654.1 and 1 more transcripts); c.5150G>T, p.Arg1717Ile (NM_001407656.1, NM_001407657.1, NM_001407658.1); and 72 more; short protein forms R1765I, R1744I, R1697I, R640I, R1447I, R1632I, R1676I, R1695I.
Identifiers: ClinVar variation 867871 (VCV000867871.3), dbSNP rs1567764460, ClinGen allele CA10591080.

Conditions:
Breast-ovarian cancer, familial, susceptibility to, 1 (BROVCA1). Also called: BRCA1 Hereditary Breast and Ovarian Cancer; OVARIAN CANCER, SUSCEPTIBILITY TO. Identifiers: Orphanet 145, MedGen C2676676, MONDO:0011450, OMIM 604370. Disease mechanism: loss of function.

Submission:

Brotman Baty Institute, University of Washington
No classification provided (evidence only). Condition: Breast-ovarian cancer, familial 1. Review status: no classification provided. Collection method: in vitro. Allele origin: not applicable. Functional consequence: functionally_normal.
ClinVar note: "not provided" was previously submitted as the classification for the variant. However, the classification appeared to be based only on an observation of functional data so it was converted to no classification on 2025-07-30.